The following is an entry in ClinVar:

NM_001267550.2(TTN):c.104928C>G (p.Tyr34976Ter)

Genes: TTN (titin; minus strand), TTN-AS1 (TTN antisense RNA 1; plus strand). Cytogenetic location: 2q31.2.
Variant type: single nucleotide variant.
Coding change: c.104928C>G on transcript NM_001267550.2 (MANE Select); coding-DNA position 104928, C replaced by G.
Protein change: p.Tyr34976Ter; replaces tyrosine 34976 with a stop codon.
Molecular consequence: nonsense.
Genome position (GRCh38, 1-based): chr2:178,531,687, G>C on the plus strand (C>G on the coding strand, the complement: TTN is on the minus strand). VCF-style: chr2-178531687-G-C. GRCh37 (hg19) VCF-style: chr2-179396414-G-C.
Other names: c.100005C>G, p.Tyr33335Ter (NM_001256850.1); c.77733C>G, p.Tyr25911Ter (NM_003319.4); c.97224C>G, p.Tyr32408Ter (NM_133378.4); c.78108C>G, p.Tyr26036Ter (NM_133432.3); c.78309C>G, p.Tyr26103Ter (NM_133437.4); short protein forms Y25911*, Y26036*, Y26103*, Y32408*, Y33335*, Y34976*.
Identifiers: ClinVar variation 4875439 (VCV004875439.2).

ClinVar aggregate classification (germline): Likely pathogenic (1 of 4 stars; one submission).

Submission:

CeGaT Center for Human Genetics Tuebingen
Classification: Likely pathogenic. Last evaluated: 2026-06-01. Review status: criteria provided, single submitter. Criteria: CeGaT Center For Human Genetics Tuebingen Variant Classification Criteria Version 2. Collection method: clinical testing. Allele origin: germline. Affected: yes. Observed: 3 variant alleles.
Comment: TTN: PVS1:Strong, PM2